The following is an entry in ClinVar:

NM_006441.4(MTHFS):c.320C>T (p.Thr107Ile)

Genes: MTHFS (methenyltetrahydrofolate synthetase; minus strand), ST20-MTHFS (ST20-MTHFS readthrough; minus strand). Cytogenetic location: 15q25.1.
Variant type: single nucleotide variant.
Coding change: c.320C>T on transcript NM_006441.4 (MANE Select); coding-DNA position 320, C replaced by T.
Protein change: p.Thr107Ile; replaces threonine 107 with isoleucine.
Molecular consequence: missense variant. On other transcripts: non-coding transcript variant (1).
Genome position (GRCh38, 1-based): chr15:79,889,152, G>A on the plus strand (C>T on the coding strand, the complement: MTHFS is on the minus strand). VCF-style: chr15-79889152-G-A. GRCh37 (hg19) VCF-style: chr15-80181494-G-A.
Other names: c.248C>T, p.Thr83Ile (NM_001199760.2); c.149C>T, p.Thr50Ile (NM_001199758.1); short protein forms T50I, T83I, T107I.
Identifiers: ClinVar variation 2054000 (VCV002054000.3), dbSNP rs140052193, ClinGen allele CA7690316.

ClinVar aggregate classification (germline): Uncertain significance (1 of 4 stars; one submission).

Allele frequency attached by ClinVar (database versions not stated): ESP Exome Variant Server 0.00038; 1000 Genomes Project 30x 0.00062; TOPMed 0.00069; gnomAD 0.00070; 1000 Genomes Project 0.00080; ExAC 0.00088; gnomAD exomes 0.00126.
gnomAD v4.1: 1,945 of 1,614,178 alleles (0.12%); highest among the groups gnomAD compares: Non-Finnish European, 0.14%; no homozygotes.

Submission:

Labcorp Genetics (formerly Invitae), Labcorp
Classification: Uncertain significance. Last evaluated: 2024-10-22. Review status: criteria provided, single submitter. Criteria: Invitae Variant Classification Sherloc (09022015). Collection method: clinical testing. Allele origin: germline.
Comment: This sequence change replaces threonine, which is neutral and polar, with isoleucine, which is neutral and non-polar, at codon 107 of the MTHFS protein (p.Thr107Ile). This variant is present in population databases (rs140052193, gnomAD 0.1%), including at least one homozygous and/or hemizygous individual. This variant has not been reported in the literature in individuals affected with MTHFS-related conditions. ClinVar contains an entry for this variant (Variation ID: 2054000). An algorithm developed to predict the effect of missense changes on protein structure and function (PolyPhen-2) suggests that this variant is likely to be disruptive. In summary, the available evidence is currently insufficient to determine the role of this variant in disease. Therefore, it has been classified as a Variant of Uncertain Significance.